The following is an entry in ClinVar:

ClinVar aggregate classification (germline): Likely benign. Review status: reviewed by expert panel (3 of 4 stars). 4 submissions from 4 submitters: Likely benign (1). 3 of the submissions do not count toward it. Last evaluated 2017-06-29.

Conditions:
Hereditary breast ovarian cancer syndrome. Also called: Hereditary breast and ovarian cancer syndrome (HBOC); BRCA1- and BRCA2-Associated Hereditary Breast and Ovarian Cancer; Hereditary breast and/or ovarian cancer syndrome; Hereditary breast and ovarian cancer syndrome; Hereditary breast and ovarian cancer; Breast and ovarian cancer. Identifiers: Orphanet 145, MedGen C0677776, MeSH D061325, MONDO:0003582. Disease mechanism: loss of function.
Hereditary cancer-predisposing syndrome. Also called: Neoplastic Syndromes, Hereditary; Hereditary neoplastic syndrome; Tumor predisposition; Hereditary Cancer Syndrome. Identifiers: Orphanet 140162, MedGen C0027672, MeSH D009386, MONDO:0015356.
Breast-ovarian cancer, familial, susceptibility to, 1 (BROVCA1). Also called: BRCA1 Hereditary Breast and Ovarian Cancer; OVARIAN CANCER, SUSCEPTIBILITY TO. Identifiers: Orphanet 145, MedGen C2676676, MONDO:0011450, OMIM 604370. Disease mechanism: loss of function.

Allele frequency attached by ClinVar (database versions not stated): ExAC 0.00001; gnomAD exomes 0.00001 and 0.00002.
gnomAD v4.1: 11 of 1,614,090 alleles (0.00068%); highest among the groups gnomAD compares: Non-Finnish European, 0.000085%; no homozygotes.

Submissions (4):

Evidence-based Network for the Interpretation of Germline Mutant Alleles (ENIGMA)
Classification: Likely benign for Breast-ovarian cancer, familial, susceptibility to, 1. Last evaluated: 2017-06-29. Review status: reviewed by expert panel. Criteria: ENIGMA BRCA1/2 Classification Criteria (2017-06-29). Collection method: curation. Allele origin: germline.
Comment: Synonymous substitution variant, with low bioinformatic likelihood to result in a splicing aberration (Splicing prior probability 0.02).

Labcorp Genetics (formerly Invitae), Labcorp
Classification: Likely benign for Hereditary breast ovarian cancer syndrome. Last evaluated: 2024-04-04. Review status: criteria provided, single submitter. Criteria: Invitae Variant Classification Sherloc (09022015). Collection method: clinical testing. Allele origin: germline. Not counted in ClinVar's aggregate classification.

Color Diagnostics, LLC DBA Color Health
Classification: Likely benign for Hereditary cancer-predisposing syndrome. Last evaluated: 2020-12-11. Review status: criteria provided, single submitter. Criteria: ACMG Guidelines, 2015. Collection method: clinical testing. Allele origin: germline. Not counted in ClinVar's aggregate classification.

Ambry Genetics
Classification: Likely benign for Hereditary cancer-predisposing syndrome. Last evaluated: 2017-11-21. Review status: criteria provided, single submitter. Criteria: Ambry Variant Classification Scheme 2023. Collection method: clinical testing. Allele origin: germline. Not counted in ClinVar's aggregate classification.

NM_007294.4(BRCA1):c.1329A>G (p.Lys443=)

Gene: BRCA1 (BRCA1 DNA repair associated; minus strand). Cytogenetic location: 17q21.31.
Variant type: single nucleotide variant.
Coding change: c.1329A>G on transcript NM_007294.4 (MANE Select); coding-DNA position 1329, A replaced by G.
Protein change: p.Lys443=; no amino-acid change (lysine 443 retained).
Molecular consequence: synonymous variant. On other transcripts: intron variant (137).
Genome position (GRCh38, 1-based): chr17:43,094,202, T>C on the plus strand (A>G on the coding strand, the complement: BRCA1 is on the minus strand). VCF-style: chr17-43094202-T-C. GRCh37 (hg19) VCF-style: chr17-41246219-T-C.
Other names: c.1206A>G, p.Lys402= (NM_001407666.1, NM_001407667.1, NM_001407668.1 and 19 more transcripts); c.1203A>G, p.Lys401= (NM_001407670.1, NM_001407671.1, NM_001407672.1 and 11 more transcripts); c.1329A>G, p.Lys443= (NM_001407684.1, NM_001407854.1, NM_001407858.1 and 30 more transcripts); c.1188A>G, p.Lys396= (NM_001407692.1, NM_001407694.1, NM_001407695.1 and 29 more transcripts); c.1185A>G, p.Lys395= (NM_001407740.1, NM_001407741.1, NM_001407742.1 and 20 more transcripts); c.1116A>G, p.Lys372= (NM_001407853.1, NM_001407894.1, NM_001407895.1 and 9 more transcripts); c.1326A>G, p.Lys442= (NM_001407860.1, NM_001407861.1, NM_001407587.1 and 22 more transcripts); c.1128A>G, p.Lys376= (NM_001407862.1); and 40 more.
Identifiers: ClinVar variation 427305 (VCV000427305.19), dbSNP rs771892131, ClinGen allele CA057161.